The following is an entry in ClinVar:

NM_001184.4(ATR):c.5123A>G (p.Glu1708Gly)

Gene: ATR (ATR checkpoint kinase; minus strand). Cytogenetic location: 3q23.
Variant type: single nucleotide variant.
Coding change: c.5123A>G on transcript NM_001184.4 (MANE Select); coding-DNA position 5123, A replaced by G.
Protein change: p.Glu1708Gly; replaces glutamic acid 1708 with glycine.
Molecular consequence: missense variant.
Genome position (GRCh38, 1-based): chr3:142,505,212, T>C on the plus strand (A>G on the coding strand, the complement: ATR is on the minus strand). VCF-style: chr3-142505212-T-C. GRCh37 (hg19) VCF-style: chr3-142224054-T-C.
Other names: c.4931A>G, p.Glu1644Gly (NM_001354579.2); short protein forms E1644G, E1708G.
Identifiers: ClinVar variation 2496640 (VCV002496640.3), dbSNP rs2108355581, ClinGen allele CA354819899.

ClinVar aggregate classification (germline): Uncertain significance. Review status: criteria provided, multiple submitters, no conflicts (2 of 4 stars). 2 submissions from 2 submitters: Uncertain significance (2). Last evaluated 2025-03-21.

Conditions:
Inborn genetic diseases. Identifiers: MedGen C0950123, MeSH D030342.

Submissions (2):

Labcorp Genetics (formerly Invitae), Labcorp
Classification: Uncertain significance. Last evaluated: 2025-03-21. Review status: criteria provided, single submitter. Criteria: Invitae Variant Classification Sherloc (09022015). Collection method: clinical testing. Allele origin: germline.
Comment: This sequence change replaces glutamic acid, which is acidic and polar, with glycine, which is neutral and non-polar, at codon 1708 of the ATR protein (p.Glu1708Gly). This variant is not present in population databases (gnomAD no frequency). This variant has not been reported in the literature in individuals affected with ATR-related conditions. ClinVar contains an entry for this variant (Variation ID: 2496640). An algorithm developed to predict the effect of missense changes on protein structure and function (PolyPhen-2) suggests that this variant is likely to be disruptive. In summary, the available evidence is currently insufficient to determine the role of this variant in disease. Therefore, it has been classified as a Variant of Uncertain Significance.

Ambry Genetics
Classification: Uncertain significance for Inborn genetic diseases. Last evaluated: 2023-03-08. Review status: criteria provided, single submitter. Criteria: Ambry Variant Classification Scheme 2023. Collection method: clinical testing. Allele origin: germline.
Comment: The p.E1708G variant (also known as c.5123A>G), located in coding exon 29 of the ATR gene, results from an A to G substitution at nucleotide position 5123. The glutamic acid at codon 1708 is replaced by glycine, an amino acid with similar properties. This amino acid position is conserved. In addition, the in silico prediction for this alteration is inconclusive. Since supporting evidence is limited at this time, the clinical significance of this alteration remains unclear.